The following is an entry in ClinVar:

ClinVar aggregate classification (germline): Pathogenic (1 of 4 stars; one submission).

Conditions:
Retinitis pigmentosa (RP). Identifiers: Orphanet 791, MedGen C0035334, MeSH D012174, MONDO:0019200, OMIM 268000. Inheritance: Autosomal dominant, autosomal recessive and X linked inheritance.

Submission:

Genetics Research Center, University of Social Welfare and Rehabilitation Sciences
Classification: Pathogenic for Retinitis pigmentosa. Last evaluated: 2015-01-01. Review status: criteria provided, single submitter. Criteria: Submitter's publication. Collection method: research. Allele origin: germline. Affected: yes. Observed: 6 variant alleles. Study: Retinitis Pigmentosa.
Comment: Identification of disease-causing mutations in Iranian patients with autosomal recessive retinitis pigmentosa

NM_000350.3(ABCA4):c.2927del (p.Leu976fs)

Gene: ABCA4 (ATP binding cassette subfamily A member 4; minus strand). Cytogenetic location: 1p22.1.
Variant type: Deletion.
Coding change: c.2927del on transcript NM_000350.3 (MANE Select); coding-DNA position 2927, one base deleted (T; older notation c.2927delT).
Protein change: p.Leu976fs; shifts the reading frame from leucine 976.
Molecular consequence: frameshift variant.
Genome position (GRCh38, 1-based): chr1:94,044,736, A deleted on the plus strand (T on the coding strand, the reverse complement: ABCA4 is on the minus strand). VCF-style (leftmost placement, unchanged base first): chr1-94044735-CA-C. GRCh37 (hg19) VCF-style: chr1-94510291-CA-C.
Other names: c.2705delT, p.Leu902Argfs (NM_001425324.1); short protein forms L976fs.
Identifiers: ClinVar variation 191353 (VCV000191353.1), dbSNP rs863223338, ClinGen allele CA279296.